The following is an entry in ClinVar:

NM_000512.5(GALNS):c.1365-1G>C

Genes: GALNS (galactosamine (N-acetyl)-6-sulfatase; minus strand), LOC126862447 (CDK7 strongly-dependent group 2 enhancer GRCh37_chr16:88884193-88885392; plus strand). Cytogenetic location: 16q24.3.
Variant type: single nucleotide variant.
Coding change: c.1365-1G>C on transcript NM_000512.5 (MANE Select); the canonical splice acceptor site of the intron before coding-DNA position 1365, G replaced by C.
Molecular consequence: splice acceptor variant.
Genome position (GRCh38, 1-based): chr16:88,818,125, C>G on the plus strand (G>C on the coding strand, the complement: GALNS is on the minus strand). VCF-style: chr16-88818125-C-G. GRCh37 (hg19) VCF-style: chr16-88884533-C-G.
Other names: c.810-1G>C (NM_001323543.2); c.1383-1G>C (NM_001323544.2).
Identifiers: ClinVar variation 1030834 (VCV001030834.4), dbSNP rs1909832718, ClinGen allele CA397094740.
Genomic context (GRCh38, chr16:88,818,125, plus strand): 5'-TGCTGCTGGACGACCGAGGTGATCCTGCTGAGGGCCTCCTGGTACTCGGCGCTGGCAAAG[C>G]TGGGGACAGAGAGCTCTGGTCACACGGCTGGGGCTGACAGCGAAGGACGGAGAGGGGCTG-3'

ClinVar aggregate classification (germline): Pathogenic. Review status: criteria provided, multiple submitters, no conflicts (2 of 4 stars). 2 submissions from 2 submitters: Pathogenic (2). Last evaluated 2023-08-28.

Conditions:
Mucopolysaccharidosis, MPS-IV-A (MPS4A). Also called: Mucopolysaccharidosis type IV A; Mucopolysaccharidosis Type IVA; Morquio syndrome A, mild; MORQUIO SYNDROME A; MPS IVA; mucopolysaccharidosis type 4A. Identifiers: Orphanet 309297, Orphanet 582, MedGen C0086651, MONDO:0009659, OMIM 253000.

Submissions (2):

Labcorp Genetics (formerly Invitae), Labcorp
Classification: Pathogenic for Mucopolysaccharidosis, MPS-IV-A. Last evaluated: 2023-08-28. Review status: criteria provided, single submitter. Criteria: Invitae Variant Classification Sherloc (09022015). Collection method: clinical testing. Allele origin: germline.
Comment: ClinVar contains an entry for this variant (Variation ID: 1030834). Disruption of this splice site has been observed in individual(s) with Mucopolysaccharidosis type IVA (PMID: 25545067). This variant is not present in population databases (gnomAD no frequency). This sequence change affects an acceptor splice site in intron 12 of the GALNS gene. It is expected to disrupt RNA splicing. Variants that disrupt the donor or acceptor splice site typically lead to a loss of protein function (PMID: 16199547), and loss-of-function variants in GALNS are known to be pathogenic (PMID: 12442278). Algorithms developed to predict the effect of sequence changes on RNA splicing suggest that this variant may disrupt the consensus splice site. For these reasons, this variant has been classified as Pathogenic.

Baylor Genetics
Classification: Pathogenic for Mucopolysaccharidosis, MPS-IV-A. Last evaluated: 2019-12-12. Review status: criteria provided, single submitter. Criteria: ACMG Guidelines, 2015. Collection method: clinical testing. Allele origin: unknown. Affected: yes.
Comment: This variant was determined to be pathogenic according to ACMG Guidelines, 2015 [PMID:25741868].

Literature cited by the submitters: PubMed 25545067 (cited by Labcorp Genetics (formerly Invitae), Labcorp); PubMed 16199547 (cited by Labcorp Genetics (formerly Invitae), Labcorp); PubMed 12442278 (cited by Labcorp Genetics (formerly Invitae), Labcorp).